The following is an entry in ClinVar:

NM_015295.3(SMCHD1):c.4017T>G (p.His1339Gln)

Gene: SMCHD1 (structural maintenance of chromosomes flexible hinge domain containing 1; plus strand). Cytogenetic location: 18p11.32.
Variant type: single nucleotide variant.
Coding change: c.4017T>G on transcript NM_015295.3 (MANE Select); coding-DNA position 4017, T replaced by G.
Protein change: p.His1339Gln; replaces histidine 1339 with glutamine.
Molecular consequence: missense variant.
Genome position (GRCh38, 1-based): chr18:2,750,359, T>G. VCF-style: chr18-2750359-T-G. GRCh37 (hg19) VCF-style: chr18-2750357-T-G.
Other names: short protein forms H1339Q.
Identifiers: ClinVar variation 1497710 (VCV001497710.6), dbSNP rs2143618467, ClinGen allele CA401691760.

ClinVar aggregate classification (germline): Uncertain significance (1 of 4 stars; one submission).

Conditions:
Facioscapulohumeral muscular dystrophy 2 (FSHD2). Also called: MUSCULAR DYSTROPHY, FACIOSCAPULOHUMERAL, TYPE 1B; FACIOSCAPULOHUMERAL MUSCULAR DYSTROPHY 2, DIGENIC; FSHD2, DIGENIC. Identifiers: Orphanet 269, MedGen C1834671, MONDO:0008031, OMIM 158901.

Submission:

Labcorp Genetics (formerly Invitae), Labcorp
Classification: Uncertain significance for Facioscapulohumeral muscular dystrophy 2. Last evaluated: 2022-08-16. Review status: criteria provided, single submitter. Criteria: Invitae Variant Classification Sherloc (09022015). Collection method: clinical testing. Allele origin: germline.
Comment: This variant is not present in population databases (gnomAD no frequency). This sequence change replaces histidine, which is basic and polar, with glutamine, which is neutral and polar, at codon 1339 of the SMCHD1 protein (p.His1339Gln). This variant has not been reported in the literature in individuals affected with SMCHD1-related conditions. In summary, the available evidence is currently insufficient to determine the role of this variant in disease. Therefore, it has been classified as a Variant of Uncertain Significance. Algorithms developed to predict the effect of missense changes on protein structure and function are either unavailable or do not agree on the potential impact of this missense change (SIFT: "Deleterious"; PolyPhen-2: "Benign"; Align-GVGD: "Class C0"). ClinVar contains an entry for this variant (Variation ID: 1497710).